The following is an entry in ClinVar:

NM_016580.4(PCDH12):c.877G>A (p.Asp293Asn)

Genes: PCDH12 (protocadherin 12; minus strand), RNF14 (ring finger protein 14; plus strand). Cytogenetic location: 5q31.3.
Variant type: single nucleotide variant.
Coding change: c.877G>A on transcript NM_016580.4 (MANE Select); coding-DNA position 877, G replaced by A.
Protein change: p.Asp293Asn; replaces aspartic acid 293 with asparagine.
Molecular consequence: missense variant.
Genome position (GRCh38, 1-based): chr5:141,956,975, C>T on the plus strand (G>A on the coding strand, the complement: PCDH12 is on the minus strand). VCF-style: chr5-141956975-C-T. GRCh37 (hg19) VCF-style: chr5-141336540-C-T.
Other names: c.877G>A (NM_016580.2); short protein forms D293N.
Identifiers: ClinVar variation 1375623 (VCV001375623.5), dbSNP rs552569595, ClinGen allele CA3484494.

ClinVar aggregate classification (germline): Uncertain significance. Review status: criteria provided, multiple submitters, no conflicts (2 of 4 stars). 2 submissions from 2 submitters: Uncertain significance (2). Last evaluated 2025-12-16.

Conditions:
Inborn genetic diseases. Identifiers: MedGen C0950123, MeSH D030342.

Allele frequency attached by ClinVar (database versions not stated): gnomAD exomes below 0.00001 and 0.00001; gnomAD 0.00001 and 0.00003; ExAC 0.00002; 1000 Genomes Project 0.00060; 1000 Genomes Project 30x 0.00062.
gnomAD v4.1: 10 of 1,614,156 alleles (0.00062%); highest among the groups gnomAD compares: Admixed American, 0.017%; no homozygotes.

Submissions (2):

Ambry Genetics
Classification: Uncertain significance for Inborn genetic diseases. Last evaluated: 2025-12-16. Review status: criteria provided, single submitter. Criteria: Ambry Variant Classification Scheme 2023. Collection method: clinical testing. Allele origin: germline.

Labcorp Genetics (formerly Invitae), Labcorp
Classification: Uncertain significance. Last evaluated: 2022-11-15. Review status: criteria provided, single submitter. Criteria: Invitae Variant Classification Sherloc (09022015). Collection method: clinical testing. Allele origin: germline.
Comment: In summary, the available evidence is currently insufficient to determine the role of this variant in disease. Therefore, it has been classified as a Variant of Uncertain Significance. Advanced modeling of protein sequence and biophysical properties (such as structural, functional, and spatial information, amino acid conservation, physicochemical variation, residue mobility, and thermodynamic stability) performed at Invitae indicates that this missense variant is not expected to disrupt PCDH12 protein function. ClinVar contains an entry for this variant (Variation ID: 1375623). This variant has not been reported in the literature in individuals affected with PCDH12-related conditions. This variant is present in population databases (rs552569595, gnomAD 0.006%). This sequence change replaces aspartic acid, which is acidic and polar, with asparagine, which is neutral and polar, at codon 293 of the PCDH12 protein (p.Asp293Asn).